The following is an entry in ClinVar:

NM_145010.4(ENKUR):c.685A>G (p.Arg229Gly)

Genes: THNSL1 (threonine synthase like 1; plus strand), ENKUR (enkurin, TRPC channel interacting protein; minus strand). Cytogenetic location: 10p12.1.
Variant type: single nucleotide variant.
Coding change: c.685A>G on transcript NM_145010.4 (MANE Select); coding-DNA position 685, A replaced by G.
Protein change: p.Arg229Gly; replaces arginine 229 with glycine.
Molecular consequence: missense variant. On other transcripts: non-coding transcript variant (1).
Genome position (GRCh38, 1-based): chr10:24,984,815, T>C on the plus strand (A>G on the coding strand, the complement: ENKUR is on the minus strand). VCF-style: chr10-24984815-T-C. GRCh37 (hg19) VCF-style: chr10-25273744-T-C.
Other names: c.499A>G, p.Arg167Gly (NM_001270383.2); short protein forms R167G, R229G.
Identifiers: ClinVar variation 2640357 (VCV002640357.24), dbSNP rs33980615, ClinGen allele CA5442651.

ClinVar aggregate classification (germline): Likely benign (1 of 4 stars; one submission).

Allele frequency attached by ClinVar (database versions not stated): 1000 Genomes Project 30x 0.00094; 1000 Genomes Project 0.00100; ExAC 0.00448; ESP Exome Variant Server 0.00469; gnomAD 0.00470; TOPMed 0.00492; gnomAD exomes 0.00563.
gnomAD v4.1: 8,952 of 1,613,864 alleles (0.55%); highest among the groups gnomAD compares: Non-Finnish European, 0.63%; 29 homozygotes.

Submission:

CeGaT Center for Human Genetics Tuebingen
Classification: Likely benign. Last evaluated: 2022-07-01. Review status: criteria provided, single submitter. Criteria: CeGaT Center For Human Genetics Tuebingen Variant Classification Criteria Version 2. Collection method: clinical testing. Allele origin: germline. Affected: yes. Observed: 1 variant allele.
Comment: ENKUR: BP4, BS2